The following is an entry in ClinVar:

NM_001367721.1(CASK):c.418A>G (p.Arg140Gly)

Gene: CASK (calcium/calmodulin dependent serine protein kinase; minus strand). Cytogenetic location: Xp11.4.
Variant type: single nucleotide variant.
Coding change: c.418A>G on transcript NM_001367721.1 (MANE Select); coding-DNA position 418, A replaced by G.
Protein change: p.Arg140Gly; replaces arginine 140 with glycine.
Molecular consequence: missense variant.
Genome position (GRCh38, 1-based): chrX:41,739,395, T>C on the plus strand (A>G on the coding strand, the complement: CASK is on the minus strand). VCF-style: chrX-41739395-T-C. GRCh37 (hg19) VCF-style: chrX-41598648-T-C.
Other names: c.418A>G, p.Arg140Gly (NM_001126054.3, NM_001126055.3, NM_001410745.1 and 1 more transcripts); short protein forms R140G.
Identifiers: ClinVar variation 1214882 (VCV001214882.3), dbSNP rs2147718784, ClinGen allele CA413002801.

ClinVar aggregate classification (germline): Uncertain significance (1 of 4 stars; one submission).

Submission:

GeneDx
Classification: Uncertain significance. Last evaluated: 2019-02-01. Review status: criteria provided, single submitter. Criteria: GeneDx Variant Classification Process June 2021. Collection method: clinical testing. Allele origin: germline. Affected: yes.
Comment: Not observed in large population cohorts (Lek et al., 2016); In silico analysis, which includes protein predictors and evolutionary conservation, supports a deleterious effect; Has not been previously published as pathogenic or benign to our knowledge